The following is an entry in ClinVar:

NM_016222.4(DDX41):c.1063G>C (p.Glu355Gln)

Gene: DDX41 (DEAD-box helicase 41; minus strand). Cytogenetic location: 5q35.3.
Variant type: single nucleotide variant.
Coding change: c.1063G>C on transcript NM_016222.4 (MANE Select); coding-DNA position 1063, G replaced by C.
Protein change: p.Glu355Gln; replaces glutamic acid 355 with glutamine.
Molecular consequence: missense variant.
Genome position (GRCh38, 1-based): chr5:177,513,720, C>G on the plus strand (G>C on the coding strand, the complement: DDX41 is on the minus strand). VCF-style: chr5-177513720-C-G. GRCh37 (hg19) VCF-style: chr5-176940721-C-G.
Other names: c.685G>C, p.Glu229Gln (NM_001321732.2, NM_001321830.2); short protein forms E355Q, E229Q.
Identifiers: ClinVar variation 3838989 (VCV003838989.2).

ClinVar aggregate classification (germline): Uncertain significance. Review status: criteria provided, multiple submitters, no conflicts (2 of 4 stars). 2 submissions from 2 submitters: Uncertain significance (2). Last evaluated 2025-03-14.

Conditions:
Inborn genetic diseases. Identifiers: MedGen C0950123, MeSH D030342.

Submissions (2):

GeneDx
Classification: Uncertain significance. Last evaluated: 2025-03-14. Review status: criteria provided, single submitter. Criteria: GeneDx Variant Classification Process June 2021. Collection method: clinical testing. Allele origin: germline. Affected: yes.
Comment: Not observed at significant frequency in large population cohorts (gnomAD); In silico analysis supports that this missense variant has a deleterious effect on protein structure/function; Has not been previously published as pathogenic or benign to our knowledge

Ambry Genetics
Classification: Uncertain significance for Inborn genetic diseases. Last evaluated: 2025-01-13. Review status: criteria provided, single submitter. Criteria: Ambry Variant Classification Scheme 2023. Collection method: clinical testing. Allele origin: germline.
Comment: The p.E355Q variant (also known as c.1063G>C), located in coding exon 10 of the DDX41 gene, results from a G to C substitution at nucleotide position 1063. The glutamic acid at codon 355 is replaced by glutamine, an amino acid with highly similar properties. This amino acid position is conserved. In addition, this alteration is predicted to be tolerated by in silico analysis. Based on the available evidence, the clinical significance of this variant remains unclear.